The following is an entry in ClinVar:

ClinVar aggregate classification (germline): Conflicting classifications of pathogenicity. Review status: criteria provided, conflicting classifications (1 of 4 stars). 8 submissions from 8 submitters: Uncertain significance (6); Likely benign (1). 1 of the submissions does not count toward it. Last evaluated 2026-09-01.

Conditions:
Arthrogryposis multiplex congenita 6. Identifiers: MedGen C5543431, MONDO:0030281, OMIM 619334.
Nemaline myopathy 2 (NEM2). Also called: Nemaline myopathy 2, autosomal recessive. Identifiers: MedGen C1850569, MONDO:0009725, OMIM 256030.
Inborn genetic diseases. Identifiers: MedGen C0950123, MeSH D030342.

Allele frequency attached by ClinVar (database versions not stated): gnomAD 0.00003; TOPMed 0.00006; gnomAD exomes 0.00010 and 0.00011; ExAC 0.00017; ESP Exome Variant Server 0.00025; 1000 Genomes Project 30x 0.00047.
gnomAD v4.1: 168 of 1,613,670 alleles (0.01%); highest among the groups gnomAD compares: Non-Finnish European, 0.013%; no homozygotes.

Submissions (8):

CeGaT Center for Human Genetics Tuebingen
Classification: Uncertain significance. Last evaluated: 2026-09-01. Review status: criteria provided, single submitter. Criteria: CeGaT Center For Human Genetics Tuebingen Variant Classification Criteria Version 2. Collection method: clinical testing. Allele origin: germline. Affected: yes. Observed: 1 variant allele.
Comment: NEB: PM2, BP4

Labcorp Genetics (formerly Invitae), Labcorp
Classification: Likely benign for Nemaline myopathy 2. Last evaluated: 2026-02-04. Review status: criteria provided, single submitter. Criteria: Invitae Variant Classification Sherloc (09022015). Collection method: clinical testing. Allele origin: germline.

Ambry Genetics
Classification: Uncertain significance for Inborn genetic diseases. Last evaluated: 2025-06-29. Review status: criteria provided, single submitter. Criteria: Ambry Variant Classification Scheme 2023. Collection method: clinical testing. Allele origin: germline.

Revvity Omics, Revvity
Classification: Uncertain significance. Last evaluated: 2024-10-23. Review status: criteria provided, single submitter. Criteria: ACMG Guidelines, 2015. Collection method: clinical testing. Allele origin: germline.

GeneDx
Classification: Uncertain significance. Last evaluated: 2024-08-06. Review status: criteria provided, single submitter. Criteria: GeneDx Variant Classification Process June 2021. Collection method: clinical testing. Allele origin: germline. Affected: yes.
Comment: In silico analysis indicates that this missense variant does not alter protein structure/function; Has not been previously published as pathogenic or benign to our knowledge

Department of Pathology and Laboratory Medicine, Sinai Health System
Classification: Uncertain significance for Nemaline myopathy 2; Arthrogryposis multiplex congenita 6. Last evaluated: 2022-05-19. Review status: criteria provided, single submitter. Criteria: ACMG Guidelines, 2015. Collection method: research. Allele origin: germline.

Illumina Laboratory Services, Illumina
Classification: Uncertain significance for Nemaline myopathy 2. Last evaluated: 2018-01-13. Review status: criteria provided, single submitter. Criteria: ICSL Variant Classification Criteria 13 December 2019. Collection method: clinical testing. Allele origin: germline.

Natera, Inc.
Classification: Uncertain significance for Nemaline myopathy type 2. Last evaluated: 2020-01-17. Review status: no assertion criteria provided. Collection method: clinical testing. Allele origin: germline. Not counted in ClinVar's aggregate classification.

NM_001164508.2(NEB):c.9743A>G (p.Asn3248Ser)

Gene: NEB (nebulin; minus strand). Cytogenetic location: 2q23.3.
Variant type: single nucleotide variant.
Coding change: c.9743A>G on transcript NM_001164508.2 (MANE Select); coding-DNA position 9743, A replaced by G.
Protein change: p.Asn3248Ser; replaces asparagine 3248 with serine.
Molecular consequence: missense variant.
Genome position (GRCh38, 1-based): chr2:151,629,627, T>C on the plus strand (A>G on the coding strand, the complement: NEB is on the minus strand). VCF-style: chr2-151629627-T-C. GRCh37 (hg19) VCF-style: chr2-152486141-T-C.
Other names: c.9743A>G, p.Asn3248Ser (NM_001164507.2, NM_001271208.2); c.9014A>G, p.Asn3005Ser (NM_004543.5); short protein forms N3005S, N3248S.
Identifiers: ClinVar variation 331483 (VCV000331483.25), dbSNP rs139548702, ClinGen allele CA1909215.